The following is an entry in ClinVar:

ClinVar aggregate classification (germline): Uncertain significance. Review status: criteria provided, multiple submitters, no conflicts (2 of 4 stars). 2 submissions from 2 submitters: Uncertain significance (2). Last evaluated 2026-07-19.

Conditions:
Inborn genetic diseases. Identifiers: MedGen C0950123, MeSH D030342.

Submissions (2):

Ambry Genetics
Classification: Uncertain significance for Inborn genetic diseases. Last evaluated: 2026-07-19. Review status: criteria provided, single submitter. Criteria: Ambry Variant Classification Scheme 2023. Collection method: clinical testing. Allele origin: germline.

GeneDx
Classification: Uncertain significance. Last evaluated: 2024-03-05. Review status: criteria provided, single submitter. Criteria: GeneDx Variant Classification Process June 2021. Collection method: clinical testing. Allele origin: germline. Affected: yes.
Comment: Not observed at significant frequency in large population cohorts (gnomAD); In silico analysis supports that this missense variant has a deleterious effect on protein structure/function; Has not been previously published as pathogenic or benign to our knowledge

NM_024009.3(GJB3):c.128T>C (p.Val43Ala)

Gene: GJB3 (gap junction protein beta 3; plus strand). Cytogenetic location: 1p34.3.
Variant type: single nucleotide variant.
Coding change: c.128T>C on transcript NM_024009.3 (MANE Select); coding-DNA position 128, T replaced by C.
Protein change: p.Val43Ala; replaces valine 43 with alanine.
Molecular consequence: missense variant.
Genome position (GRCh38, 1-based): chr1:34,784,890, T>C. VCF-style: chr1-34784890-T-C. GRCh37 (hg19) VCF-style: chr1-35250491-T-C.
Other names: c.128T>C, p.Val43Ala (NM_001005752.2); short protein forms V43A.
Identifiers: ClinVar variation 3369853 (VCV003369853.2).
Genomic context (GRCh38, chr1:34,784,890, plus strand): 5'-TCTGGCTGTCCGTGGTGTTCGTCTTCCGGGTGCTGGTATACGTGGTGGCTGCAGAGCGCG[T>C]GTGGGGGGATGAGCAGAAGGACTTTGACTGCAACACCAAGCAGCCCGGCTGCACCAACGT-3'
Protein context (NP_076872.1, residues 33-53): VLVYVVAAER[Val43Ala]WGDEQKDFDC